The following is an entry in ClinVar:

ClinVar aggregate classification (germline): Uncertain significance (1 of 4 stars; one submission).

Submission:

Ambry Genetics
Classification: Uncertain significance. Last evaluated: 2023-03-30. Review status: criteria provided, single submitter. Criteria: Ambry Variant Classification Scheme 2023. Collection method: clinical testing. Allele origin: germline.
Comment: The p.H1261P variant (also known as c.3782A>C), located in coding exon 34 of the KIF1B gene, results from an A to C substitution at nucleotide position 3782. The histidine at codon 1261 is replaced by proline, an amino acid with similar properties. This amino acid position is conserved. In addition, this alteration is predicted to be deleterious by in silico analysis. Since supporting evidence is limited at this time, the clinical significance of this alteration remains unclear.

NM_001365951.3(KIF1B):c.3920A>C (p.His1307Pro)

Gene: KIF1B (kinesin family member 1B; plus strand). Cytogenetic location: 1p36.22.
Variant type: single nucleotide variant.
Coding change: c.3920A>C on transcript NM_001365951.3 (MANE Select); coding-DNA position 3920, A replaced by C.
Protein change: p.His1307Pro; replaces histidine 1307 with proline.
Molecular consequence: missense variant.
Genome position (GRCh38, 1-based): chr1:10,348,704, A>C. VCF-style: chr1-10348704-A-C. GRCh37 (hg19) VCF-style: chr1-10408762-A-C.
Other names: c.3920A>C, p.His1307Pro (NM_001365952.1); c.3782A>C, p.His1261Pro (NM_015074.3); short protein forms H1261P, H1307P.
Identifiers: ClinVar variation 2561713 (VCV002561713.2), dbSNP rs1652678363, ClinGen allele CA338343742.